The following is an entry in ClinVar:

NM_000432.4(MYL2):c.31G>A (p.Gly11Arg)

Genes: MYL2 (myosin light chain 2; minus strand), LOC114827850 (VISTA enhancer hs2149; plus strand). Cytogenetic location: 12q24.11.
Variant type: single nucleotide variant.
Coding change: c.31G>A on transcript NM_000432.4 (MANE Select); coding-DNA position 31, G replaced by A.
Protein change: p.Gly11Arg; replaces glycine 11 with arginine.
Molecular consequence: missense variant.
Genome position (GRCh38, 1-based): chr12:110,919,166, C>T on the plus strand (G>A on the coding strand, the complement: MYL2 is on the minus strand). VCF-style: chr12-110919166-C-T. GRCh37 (hg19) VCF-style: chr12-111356970-C-T.
Other names: short protein forms G11R.
Identifiers: ClinVar variation 43466 (VCV000043466.23), dbSNP rs397516402, ClinGen allele CA010093.
Genomic context (GRCh38, chr12:110,919,166, plus strand): 5'-CCTTAAATTCCTGGATTTGGGTCTGTTCGAACATGGAGAACACGTTGGAGTTGGCGCCCC[C>T]GGCTCTCTTCTTTGCTTTCTTAGGTGCCTGGGGGAAAAAAGCATCGATTAAAAGAGTGAG-3'
Protein context (NP_000423.2, residues 1-21): MAPKKAKKRA[Gly11Arg]GANSNVFSMF

ClinVar aggregate classification (germline): Uncertain significance. Review status: criteria provided, multiple submitters, no conflicts (2 of 4 stars). 5 submissions from 5 submitters: Uncertain significance (4). 1 of the submissions does not count toward it. Last evaluated 2025-09-28.

Conditions:
Cardiomyopathy (CMYO). Also called: Cardiomyopathies. Identifiers: Orphanet 167848, MedGen C0878544, MONDO:0004994, HP:0001638. Inheritance: Various modes of inheritance.
Hypertrophic cardiomyopathy 10. Also called: CARDIOMYOPATHY, HYPERTROPHIC, MID-LEFT VENTRICULAR CHAMBER TYPE, 2; MYL2-Related Familial Hypertrophic Cardiomyopathy. Identifiers: MedGen C1834460, MONDO:0012112, OMIM 608758.
Primary dilated cardiomyopathy (DCM). Also called: Dilated Cardiomyopathy. Identifiers: Orphanet 217604, MedGen C0007193, MeSH D002311, MONDO:0005021, HP:0001644. Inheritance: Various modes of inheritance.
Hypertrophic cardiomyopathy. Also called: HYPERTROPHIC MYOCARDIOPATHY. Identifiers: Orphanet 217569, MedGen C0007194, MeSH D002312, MONDO:0005045, HP:0001639.

Allele frequency attached by ClinVar (database versions not stated): gnomAD 0.00001; TOPMed 0.00001.
gnomAD v4.1: 27 of 1,613,588 alleles (0.0017%); highest among the groups gnomAD compares: South Asian, 0.0033%; no homozygotes.

Submissions (5):

Labcorp Genetics (formerly Invitae), Labcorp
Classification: Uncertain significance for Hypertrophic cardiomyopathy 10. Last evaluated: 2025-09-28. Review status: criteria provided, single submitter. Criteria: Invitae Variant Classification Sherloc (09022015). Collection method: clinical testing. Allele origin: germline.
Comment: This sequence change replaces glycine, which is neutral and non-polar, with arginine, which is basic and polar, at codon 11 of the MYL2 protein (p.Gly11Arg). This variant is not present in population databases (gnomAD no frequency). This missense change has been observed in individual(s) with dilated cardiomyopathy (PMID: 27532257). ClinVar contains an entry for this variant (Variation ID: 43466). Experimental studies and prediction algorithms are not available or were not evaluated, and the functional significance of this variant is currently unknown. In summary, the available evidence is currently insufficient to determine the role of this variant in disease. Therefore, it has been classified as a Variant of Uncertain Significance.

Color Diagnostics, LLC DBA Color Health
Classification: Uncertain significance for Cardiomyopathy. Last evaluated: 2025-07-15. Review status: criteria provided, single submitter. Criteria: ACMG Guidelines, 2015. Collection method: clinical testing. Allele origin: germline.
Comment: This missense variant replaces glycine with arginine at codon 11 of the MYL2 protein. Computational prediction suggests that this variant may not impact protein structure and function. To our knowledge, functional studies have not been reported for this variant. This variant has been reported in an individual affected with dilated cardiomyopathy (PMID: 27532257). This variant has been identified in 1/251402 chromosomes in the general population by the Genome Aggregation Database (gnomAD). The available evidence is insufficient to determine the role of this variant in disease conclusively. Therefore, this variant is classified as a Variant of Uncertain Significance.

All of Us Research Program, National Institutes of Health
Classification: Uncertain significance for Hypertrophic cardiomyopathy. Last evaluated: 2024-05-09. Review status: criteria provided, single submitter. Criteria: ACMG Guidelines, 2015. Collection method: clinical testing. Allele origin: germline. Inheritance: Autosomal dominant inheritance. Observed: 4 variant alleles, 4 heterozygotes.
Comment: This missense variant replaces glycine with arginine at codon 11 of the MYL2 protein. Computational prediction suggests that this variant may not impact protein structure and function (internally defined REVEL score threshold <= 0.5, PMID: 27666373). To our knowledge, functional studies have not been reported for this variant. This variant has been reported in an individual affected with dilated cardiomyopathy (PMID: 27532257). This variant has been identified in 1/251402 chromosomes in the general population by the Genome Aggregation Database (gnomAD). The available evidence is insufficient to determine the role of this variant in disease conclusively. Therefore, this variant is classified as a Variant of Uncertain Significance.

This study involves interpretation of variants in research participants for the purpose of population health screening. Participant phenotype was not available at the time of variant classification. Additional details can be found in publication PMID: 35346344, PMCID: PMC8962531

Laboratory for Molecular Medicine, Mass General Brigham Personalized Medicine
Classification: Uncertain significance. Last evaluated: 2011-12-21. Review status: criteria provided, single submitter. Criteria: LMM Criteria. Collection method: clinical testing. Allele origin: germline. Observed: 2 variant alleles.

Clinical Molecular Genetics Laboratory, Johns Hopkins All Children's Hospital
Classification: Uncertain significance for Dilated cardiomyopathy. Last evaluated: 2016-09-22. Review status: no assertion criteria provided. Collection method: clinical testing. Allele origin: germline. Affected: yes. Not counted in ClinVar's aggregate classification.

Literature cited by the submitters: PubMed 27532257 (cited by 3 submitters).